The following is an entry in ClinVar:

ClinVar aggregate classification (germline): Uncertain significance (1 of 4 stars; one submission).

Submission:

Labcorp Genetics (formerly Invitae), Labcorp
Classification: Uncertain significance. Last evaluated: 2023-10-24. Review status: criteria provided, single submitter. Criteria: Invitae Variant Classification Sherloc (09022015). Collection method: clinical testing. Allele origin: germline.
Comment: This sequence change falls in intron 7 of the ASXL1 gene. It does not directly change the encoded amino acid sequence of the ASXL1 protein. It affects a nucleotide within the consensus splice site. This variant is not present in population databases (gnomAD no frequency). This variant has not been reported in the literature in individuals affected with ASXL1-related conditions. Variants that disrupt the consensus splice site are a relatively common cause of aberrant splicing (PMID: 17576681, 9536098). Algorithms developed to predict the effect of sequence changes on RNA splicing suggest that this variant may disrupt the consensus splice site. In summary, the available evidence is currently insufficient to determine the role of this variant in disease. Therefore, it has been classified as a Variant of Uncertain Significance.

Literature cited by the submitters: PubMed 17576681; PubMed 9536098.

NM_015338.6(ASXL1):c.565+3A>T

Gene: ASXL1 (ASXL transcriptional regulator 1; plus strand). Cytogenetic location: 20q11.21.
Variant type: single nucleotide variant.
Coding change: c.565+3A>T on transcript NM_015338.6 (MANE Select); 3 bases into the intron after coding-DNA position 565, A replaced by T.
Molecular consequence: intron variant.
Genome position (GRCh38, 1-based): chr20:32,429,434, A>T. VCF-style: chr20-32429434-A-T. GRCh37 (hg19) VCF-style: chr20-31017237-A-T.
Other names: c.535+3A>T (NM_001363734.1).
Identifiers: ClinVar variation 2771607 (VCV002771607.3), dbSNP rs2515500483, ClinGen allele CA2697547329.